The following is an entry in ClinVar:

NM_004656.4(BAP1):c.2070C>G (p.Asn690Lys)

Gene: BAP1 (BRCA1 associated deubiquitinase 1; minus strand). Cytogenetic location: 3p21.1.
Variant type: single nucleotide variant.
Coding change: c.2070C>G on transcript NM_004656.4 (MANE Select); coding-DNA position 2070, C replaced by G.
Protein change: p.Asn690Lys; replaces asparagine 690 with lysine.
Molecular consequence: missense variant.
Genome position (GRCh38, 1-based): chr3:52,402,408, G>C on the plus strand (C>G on the coding strand, the complement: BAP1 is on the minus strand). VCF-style: chr3-52402408-G-C. GRCh37 (hg19) VCF-style: chr3-52436424-G-C.
Other names: c.2016C>G, p.Asn672Lys (NM_001410772.1); short protein forms N690K, N672K.
Identifiers: ClinVar variation 1785385 (VCV001785385.2), dbSNP rs1553644559, ClinGen allele CA353094523.

ClinVar aggregate classification (germline): Uncertain significance (1 of 4 stars; one submission).

Conditions:
Hereditary cancer-predisposing syndrome. Also called: Neoplastic Syndromes, Hereditary; Tumor predisposition; Hereditary Cancer Syndrome; Hereditary neoplastic syndrome. Identifiers: Orphanet 140162, MedGen C0027672, MeSH D009386, MONDO:0015356.

Submission:

Ambry Genetics
Classification: Uncertain significance for Hereditary cancer-predisposing syndrome. Last evaluated: 2022-05-19. Review status: criteria provided, single submitter. Criteria: Ambry Variant Classification Scheme 2023. Collection method: clinical testing. Allele origin: germline.
Comment: The p.N690K variant (also known as c.2070C>G), located in coding exon 17 of the BAP1 gene, results from a C to G substitution at nucleotide position 2070. The asparagine at codon 690 is replaced by lysine, an amino acid with similar properties. This amino acid position is conserved. In addition, this alteration is predicted to be tolerated by in silico analysis. Since supporting evidence is limited at this time, the clinical significance of this alteration remains unclear.